The following is an entry in ClinVar:

NM_025144.4(ALPK1):c.797G>A (p.Ser266Asn)

Gene: ALPK1 (alpha kinase 1; plus strand). Cytogenetic location: 4q25.
Variant type: single nucleotide variant.
Coding change: c.797G>A on transcript NM_025144.4 (MANE Select); coding-DNA position 797, G replaced by A.
Protein change: p.Ser266Asn; replaces serine 266 with asparagine.
Molecular consequence: missense variant.
Genome position (GRCh38, 1-based): chr4:112,429,150, G>A. VCF-style: chr4-112429150-G-A. GRCh37 (hg19) VCF-style: chr4-113350306-G-A.
Other names: c.797G>A, p.Ser266Asn (NM_001102406.2); c.563G>A, p.Ser188Asn (NM_001253884.2); short protein forms S266N, S188N.
Identifiers: ClinVar variation 2784353 (VCV002784353.3), dbSNP rs2476499962, ClinGen allele CA357889024.

ClinVar aggregate classification (germline): Uncertain significance (1 of 4 stars; one submission).

Allele frequency attached by ClinVar (database versions not stated): gnomAD exomes below 0.00001.
gnomAD v4.1: 2 of 1,613,214 alleles (0.00012%); highest among the groups gnomAD compares: Non-Finnish European, 0.00017%; no homozygotes.

Submission:

Labcorp Genetics (formerly Invitae), Labcorp
Classification: Uncertain significance. Last evaluated: 2023-04-28. Review status: criteria provided, single submitter. Criteria: Invitae Variant Classification Sherloc (09022015). Collection method: clinical testing. Allele origin: germline.
Comment: This sequence change replaces serine, which is neutral and polar, with asparagine, which is neutral and polar, at codon 266 of the ALPK1 protein (p.Ser266Asn). In summary, the available evidence is currently insufficient to determine the role of this variant in disease. Therefore, it has been classified as a Variant of Uncertain Significance. Algorithms developed to predict the effect of missense changes on protein structure and function output the following: SIFT: "Not Available"; PolyPhen-2: "Benign"; Align-GVGD: "Not Available". The asparagine amino acid residue is found in multiple mammalian species, which suggests that this missense change does not adversely affect protein function. This variant has not been reported in the literature in individuals affected with ALPK1-related conditions. This variant is not present in population databases (gnomAD no frequency).